The following is an entry in ClinVar:

NM_001122681.2(SH3BP2):c.*1067C>T

Gene: SH3BP2 (SH3 domain binding protein 2; plus strand). Cytogenetic location: 4p16.3.
Variant type: single nucleotide variant.
Coding change: c.*1067C>T on transcript NM_001122681.2 (MANE Select); 1067 bases downstream of the stop codon, C replaced by T.
Molecular consequence: 3 prime UTR variant.
Genome position (GRCh38, 1-based): chr4:2,834,901, C>T. VCF-style: chr4-2834901-C-T. GRCh37 (hg19) VCF-style: chr4-2836628-C-T.
Other names: c.*1067C>T (LRG_1334t1, LRG_1334t2, NM_001145855.2 and 2 more transcripts).
Identifiers: ClinVar variation 348610 (VCV000348610.6), dbSNP rs231394, ClinGen allele CA10617681.

ClinVar aggregate classification (germline): Benign. Review status: criteria provided, multiple submitters, no conflicts (2 of 4 stars). 2 submissions from 2 submitters: Benign (2). Last evaluated 2018-01-13.

Conditions:
Fibrous dysplasia of jaw (CRBM). Also called: Cherubism. Identifiers: Orphanet 184, MedGen C0008029, MONDO:0007315, OMIM 118400.

Allele frequency attached by ClinVar (database versions not stated): 1000 Genomes Project 0.55192; 1000 Genomes Project 30x 0.55434; gnomAD exomes 0.55693; gnomAD 0.57252 and 0.57330; TOPMed 0.57576.
gnomAD v4.1: 87,552 of 152,390 alleles (57%); highest among the groups gnomAD compares: Middle Eastern, 69%; 25,326 homozygotes.

Submissions (2):

Illumina Laboratory Services, Illumina
Classification: Benign for Fibrous dysplasia of jaw. Last evaluated: 2018-01-13. Review status: criteria provided, single submitter. Criteria: ICSL Variant Classification Criteria 13 December 2019. Collection method: clinical testing. Allele origin: germline.
Comment: This variant was observed in the ICSL laboratory as part of a predisposition screen in an ostensibly healthy population. It had not been previously curated by ICSL or reported in the Human Gene Mutation Database (HGMD: prior to June 1st, 2018), and was therefore a candidate for classification through an automated scoring system. Utilizing variant allele frequency, disease prevalence and penetrance estimates, and inheritance mode, an automated score was calculated to assess if this variant is too frequent to cause the disease. Based on the score and internal cut-off values, a variant classified as benign is not then subjected to further curation. The score for this variant resulted in a classification of benign for this disease.

Breakthrough Genomics
Classification: Benign. Review status: criteria provided, single submitter. Criteria: ACMG Guidelines, 2015. Collection method: not provided. Allele origin: germline. Inheritance: Autosomal dominant inheritance. Affected: yes.